The following is an entry in ClinVar:

NM_001364905.1(LRBA):c.4334G>A (p.Arg1445Gln)

Gene: LRBA (LPS responsive beige-like anchor protein; minus strand). Cytogenetic location: 4q31.3.
Variant type: single nucleotide variant.
Coding change: c.4334G>A on transcript NM_001364905.1 (MANE Select); coding-DNA position 4334, G replaced by A.
Protein change: p.Arg1445Gln; replaces arginine 1445 with glutamine.
Molecular consequence: missense variant.
Genome position (GRCh38, 1-based): chr4:150,848,823, C>T on the plus strand (G>A on the coding strand, the complement: LRBA is on the minus strand). VCF-style: chr4-150848823-C-T. GRCh37 (hg19) VCF-style: chr4-151769975-C-T.
Other names: c.4334G>A, p.Arg1445Gln (NM_001199282.3, NM_001367550.1, NM_001440430.1 and 2 more transcripts); short protein forms R1445Q.
Identifiers: ClinVar variation 4685587 (VCV004685587.2).

ClinVar aggregate classification (germline): Conflicting classifications of pathogenicity. Review status: criteria provided, conflicting classifications (1 of 4 stars). 2 submissions from 2 submitters: Likely pathogenic (1); Uncertain significance (1). Last evaluated 2025-01-28.

Conditions:
Combined immunodeficiency due to LRBA deficiency. Also called: Common variable immunodeficiency 8, with autoimmunity. Identifiers: Orphanet 445018, MedGen C3553512, MONDO:0013863, OMIM 614700.
LRBA-related disorder. Also called: LRBA-related condition.

gnomAD v4.1: 8 of 1,600,260 alleles (0.0005%); highest among the groups gnomAD compares: South Asian, 0.0023%; no homozygotes.

Submissions (2):

ARUP Laboratories, Molecular Genetics and Genomics, ARUP Laboratories
Classification: Uncertain significance for Combined immunodeficiency due to LRBA deficiency. Last evaluated: 2025-01-28. Review status: criteria provided, single submitter. Criteria: ARUP Molecular Germline Variant Investigation Process 2024. Collection method: clinical testing. Allele origin: germline.
Comment: The LRBA c.4334G>A; p.Arg1445Gln variant (rs761555716) is reported in the literature as homozygous in two siblings affected with recurrent autoimmune hemolytic anemia and thrombocytopenia, sinopulmonary infections, and various other symptoms consistent with a diagnosis of common variable immunodeficiency. The patientsâ€™ unaffected siblings carried one or no alleles with the variant, demonstrating co-segregation with disease within the family (Lo 2015). This variant is only observed on one allele in the Genome Aggregation Database (v2.1.1), indicating it is not a common polymorphism. Computational analyses are uncertain whether this variant is neutral or deleterious (REVEL: 0.635). Due to limited information, the clinical significance of this variant is uncertain at this time. References: Lo B et al. AUTOIMMUNE DISEASE. Patients with LRBA deficiency show CTLA4 loss and immune dysregulation responsive to abatacept therapy. Science. 2015 Jul 24;349(6246):436-40. PMID: 26206937.

Blueprint Genetics
Classification: Likely pathogenic for LRBA-related disorders. Last evaluated: 2023-10-06. Review status: criteria provided, single submitter. Criteria: ACMG Guidelines, 2015. Collection method: clinical testing. Allele origin: germline. Affected: yes. Observed: 3 variant alleles.